The following is an entry in ClinVar:

ClinVar aggregate classification (germline): Uncertain significance. Review status: criteria provided, multiple submitters, no conflicts (2 of 4 stars). 3 submissions from 3 submitters: Uncertain significance (3). Last evaluated 2023-01-31.

Allele frequency attached by ClinVar (database versions not stated): TOPMed below 0.00001; gnomAD exomes 0.00001.
gnomAD v4.1: 11 of 1,612,530 alleles (0.00068%); highest among the groups gnomAD compares: South Asian, 0.0011%; no homozygotes.

Submissions (4):

Labcorp Genetics (formerly Invitae), Labcorp
Classification: Uncertain significance. Last evaluated: 2023-01-31. Review status: criteria provided, single submitter. Criteria: Invitae Variant Classification Sherloc (09022015). Collection method: clinical testing. Allele origin: germline.
Comment: This sequence change replaces glycine, which is neutral and non-polar, with serine, which is neutral and polar, at codon 101 of the TNFAIP3 protein (p.Gly101Ser). In summary, the available evidence is currently insufficient to determine the role of this variant in disease. Therefore, it has been classified as a Variant of Uncertain Significance. Advanced modeling of protein sequence and biophysical properties (such as structural, functional, and spatial information, amino acid conservation, physicochemical variation, residue mobility, and thermodynamic stability) performed at Invitae indicates that this missense variant is expected to disrupt TNFAIP3 protein function. ClinVar contains an entry for this variant (Variation ID: 1304633). This variant has not been reported in the literature in individuals affected with TNFAIP3-related conditions. This variant is present in population databases (no rsID available, gnomAD 0.002%).

Blueprint Genetics
Classification: Uncertain significance. Last evaluated: 2020-08-28. Review status: criteria provided, single submitter. Criteria: ACMG Guidelines, 2015. Collection method: clinical testing. Allele origin: germline.

GeneDx
Classification: Uncertain significance. Last evaluated: 2019-09-22. Review status: criteria provided, single submitter. Criteria: GeneDx Variant Classification Process June 2021. Collection method: clinical testing. Allele origin: germline. Affected: yes.
Comment: In silico analysis, which includes protein predictors and evolutionary conservation, supports a deleterious effect; Has not been previously published as pathogenic or benign to our knowledge

Dr. Peter K. Rogan Lab, Western University
No classification provided (evidence only). Condition: Gastric cancer. Review status: no classification provided. Collection method: in vitro. Allele origin: not applicable. Functional consequence: retained intron. Not counted in ClinVar's aggregate classification.

NM_001270508.2(TNFAIP3):c.301G>A (p.Gly101Ser)

Gene: TNFAIP3 (TNF alpha induced protein 3; plus strand). Cytogenetic location: 6q23.3.
Variant type: single nucleotide variant.
Coding change: c.301G>A on transcript NM_001270508.2 (MANE Select); coding-DNA position 301, G replaced by A.
Protein change: p.Gly101Ser; replaces glycine 101 with serine.
Molecular consequence: missense variant.
Genome position (GRCh38, 1-based): chr6:137,874,850, G>A. VCF-style: chr6-137874850-G-A. GRCh37 (hg19) VCF-style: chr6-138195987-G-A.
Other names: c.301G>A, p.Gly101Ser (NM_001270507.2, NM_006290.4); short protein forms G101S.
Identifiers: ClinVar variation 1304633 (VCV001304633.11), dbSNP rs1409953541, ClinGen allele CA365781245.